The following is an entry in ClinVar:

ClinVar aggregate classification (germline): Uncertain significance (1 of 4 stars; one submission).

Allele frequency attached by ClinVar (database versions not stated): gnomAD 0.00001.
gnomAD v4.1: 1 of 1,613,876 alleles (0.000062%); highest among the groups gnomAD compares: African/African-American, 0.0013%; no homozygotes.

Submission:

Labcorp Genetics (formerly Invitae), Labcorp
Classification: Uncertain significance. Last evaluated: 2023-07-19. Review status: criteria provided, single submitter. Criteria: Invitae Variant Classification Sherloc (09022015). Collection method: clinical testing. Allele origin: germline.
Comment: This sequence change replaces asparagine, which is neutral and polar, with tyrosine, which is neutral and polar, at codon 2675 of the DMXL2 protein (p.Asn2675Tyr). This variant is present in population databases (no rsID available, gnomAD 0.01%). This variant has not been reported in the literature in individuals affected with DMXL2-related conditions. An algorithm developed to predict the effect of missense changes on protein structure and function (PolyPhen-2) suggests that this variant is likely to be disruptive. In summary, the available evidence is currently insufficient to determine the role of this variant in disease. Therefore, it has been classified as a Variant of Uncertain Significance.

NM_001378457.1(DMXL2):c.8086A>T (p.Asn2696Tyr)

Gene: DMXL2 (Dmx like 2; minus strand). Cytogenetic location: 15q21.2.
Variant type: single nucleotide variant.
Coding change: c.8086A>T on transcript NM_001378457.1 (MANE Select); coding-DNA position 8086, A replaced by T.
Protein change: p.Asn2696Tyr; replaces asparagine 2696 with tyrosine.
Molecular consequence: missense variant. On other transcripts: non-coding transcript variant (2).
Genome position (GRCh38, 1-based): chr15:51,458,618, T>A on the plus strand (A>T on the coding strand, the complement: DMXL2 is on the minus strand). VCF-style: chr15-51458618-T-A. GRCh37 (hg19) VCF-style: chr15-51750815-T-A.
Other names: c.8023A>T, p.Asn2675Tyr (NM_001174116.3); c.6112A>T, p.Asn2038Tyr (NM_001174117.3); c.8083A>T, p.Asn2695Tyr (NM_001378458.1); c.7798A>T, p.Asn2600Tyr (NM_001378459.1); c.6001A>T, p.Asn2001Tyr (NM_001378460.1); c.8020A>T, p.Asn2674Tyr (NM_015263.5); short protein forms N2001Y, N2038Y, N2600Y, N2674Y, N2695Y, N2675Y, N2696Y.
Identifiers: ClinVar variation 2784428 (VCV002784428.3), dbSNP rs1175650361, ClinGen allele CA392437143.